The following is an entry in ClinVar:

NM_006648.4(WNK2):c.5183C>A (p.Ser1728Tyr)

Gene: WNK2 (WNK lysine deficient protein kinase 2; plus strand). Cytogenetic location: 9q22.31.
Variant type: single nucleotide variant.
Coding change: c.5183C>A on transcript NM_006648.4 (MANE Select); coding-DNA position 5183, C replaced by A.
Protein change: p.Ser1728Tyr; replaces serine 1728 with tyrosine.
Molecular consequence: missense variant.
Genome position (GRCh38, 1-based): chr9:93,292,648, C>A. VCF-style: chr9-93292648-C-A. GRCh37 (hg19) VCF-style: chr9-96054930-C-A.
Other names: c.5294C>A, p.Ser1765Tyr (NM_001282394.3); short protein forms S1765Y, S1728Y.
Identifiers: ClinVar variation 3817257 (VCV003817257.1).

ClinVar aggregate classification (germline): Uncertain significance (1 of 4 stars; one submission).

Submission:

Ambry Genetics
Classification: Uncertain significance. Last evaluated: 2025-03-10. Review status: criteria provided, single submitter. Criteria: Ambry Variant Classification Scheme 2023. Collection method: clinical testing. Allele origin: germline.
Comment: The p.S1728Y variant (also known as c.5183C>A), located in coding exon 22 of the WNK2 gene, results from a C to A substitution at nucleotide position 5183. The serine at codon 1728 is replaced by tyrosine, an amino acid with dissimilar properties. This amino acid position is conserved. In addition, the in silico prediction for this alteration is inconclusive. Based on the available evidence, the clinical significance of this variant remains unclear.